The following is an entry in ClinVar:

NM_001128178.3(NPHP1):c.1622G>A (p.Arg541Lys)

Gene: NPHP1 (nephrocystin 1; minus strand). Cytogenetic location: 2q13.
Variant type: single nucleotide variant.
Coding change: c.1622G>A on transcript NM_001128178.3 (MANE Select); coding-DNA position 1622, G replaced by A.
Protein change: p.Arg541Lys; replaces arginine 541 with lysine.
Molecular consequence: missense variant.
Genome position (GRCh38, 1-based): chr2:110,131,699, C>T on the plus strand (G>A on the coding strand, the complement: NPHP1 is on the minus strand). VCF-style: chr2-110131699-C-T. GRCh37 (hg19) VCF-style: chr2-110889276-C-T.
Other names: c.1790G>A, p.Arg597Lys (NM_000272.5); c.1433G>A, p.Arg478Lys (NM_001128179.3); c.1619G>A, p.Arg540Lys (NM_001374256.1); c.1622G>A, p.Arg541Lys (NM_001374257.1); c.1787G>A, p.Arg596Lys (NM_207181.4); short protein forms R540K, R597K, R596K, R478K, R541K.
Identifiers: ClinVar variation 4982357 (VCV004982357.1).

ClinVar aggregate classification (germline): Uncertain significance (1 of 4 stars; one submission).

Conditions:
NPHP1-related disorder. Also called: NPHP1-related disorders; NPHP1-related condition.

Submission:

PreventionGenetics, part of Exact Sciences
Classification: Uncertain significance for NPHP1-related condition. Last evaluated: 2026-07-21. Review status: criteria provided, single submitter. Criteria: ACMG Guidelines, 2015. Collection method: clinical testing. Allele origin: germline.
Comment: The NPHP1 c.1790G>A variant is predicted to result in the amino acid substitution p.Arg597Lys. To our knowledge, this variant has not been reported in the literature. This variant is reported in 0.033% of alleles in individuals of East Asian descent in gnomAD. At this time, the clinical significance of this variant is uncertain due to the absence of conclusive functional and genetic evidence.